The following is an entry in ClinVar:

ClinVar aggregate classification (germline): Conflicting classifications of pathogenicity. Review status: criteria provided, conflicting classifications (1 of 4 stars). 3 submissions from 3 submitters: Uncertain significance (2); Likely benign (1). Last evaluated 2025-09-01.

Conditions:
Dystonia 16 (DYT16). Also called: DYT-PRKRA. Identifiers: Orphanet 210571, MedGen C2677567, MONDO:0012789, OMIM 612067.

Allele frequency attached by ClinVar (database versions not stated): ExAC 0.00002; gnomAD 0.00003; gnomAD exomes 0.00003 and 0.00004.
gnomAD v4.1: 58 of 1,613,792 alleles (0.0036%); highest among the groups gnomAD compares: Non-Finnish European, 0.0047%; no homozygotes.

Submissions (3):

CeGaT Center for Human Genetics Tuebingen
Classification: Uncertain significance. Last evaluated: 2025-09-01. Review status: criteria provided, single submitter. Criteria: CeGaT Center For Human Genetics Tuebingen Variant Classification Criteria Version 2. Collection method: clinical testing. Allele origin: germline. Affected: yes. Observed: 1 variant allele.
Comment: PRKRA: PM2:Supporting, BP4

Labcorp Genetics (formerly Invitae), Labcorp
Classification: Likely benign for Dystonia 16. Last evaluated: 2024-11-16. Review status: criteria provided, single submitter. Criteria: Invitae Variant Classification Sherloc (09022015). Collection method: clinical testing. Allele origin: germline.

Illumina Laboratory Services, Illumina
Classification: Uncertain significance for Dystonia 16. Last evaluated: 2018-01-13. Review status: criteria provided, single submitter. Criteria: ICSL Variant Classification Criteria 13 December 2019. Collection method: clinical testing. Allele origin: germline.

NM_003690.5(PRKRA):c.654G>A (p.Leu218=)

Genes: CHROMR (cholesterol induced regulator of metabolism RNA; plus strand), PRKRA (protein activator of interferon induced protein kinase EIF2AK2; minus strand). Cytogenetic location: 2q31.2.
Variant type: single nucleotide variant.
Coding change: c.654G>A on transcript NM_003690.5 (MANE Select); coding-DNA position 654, G replaced by A.
Protein change: p.Leu218=; no amino-acid change (leucine 218 retained).
Molecular consequence: synonymous variant.
Genome position (GRCh38, 1-based): chr2:178,436,275, C>T on the plus strand (G>A on the coding strand, the complement: PRKRA is on the minus strand). VCF-style: chr2-178436275-C-T. GRCh37 (hg19) VCF-style: chr2-179301002-C-T.
Other names: c.579G>A, p.Leu193= (NM_001139518.2); c.315G>A, p.Leu105= (NM_001316362.2); c.621G>A, p.Leu207= (NM_001139517.2).
Identifiers: ClinVar variation 893005 (VCV000893005.15), dbSNP rs763093482, ClinGen allele CA1983798.